The following is an entry in ClinVar:

ClinVar aggregate classification (germline): Likely benign. Review status: criteria provided, multiple submitters, no conflicts (2 of 4 stars). 2 submissions from 2 submitters: Likely benign (2). Last evaluated 2026-08-01.

Allele frequency attached by ClinVar (database versions not stated): gnomAD exomes 0.00008 and 0.00012; gnomAD 0.00015 and 0.00016; TOPMed 0.00025.

Submissions (2):

CeGaT Center for Human Genetics Tuebingen
Classification: Likely benign. Last evaluated: 2026-08-01. Review status: criteria provided, single submitter. Criteria: CeGaT Center For Human Genetics Tuebingen Variant Classification Criteria Version 2. Collection method: clinical testing. Allele origin: germline. Affected: yes. Observed: 2 variant alleles.
Comment: LIPT2: BP4, BP7

Labcorp Genetics (formerly Invitae), Labcorp
Classification: Likely benign. Last evaluated: 2025-10-22. Review status: criteria provided, single submitter. Criteria: Invitae Variant Classification Sherloc (09022015). Collection method: clinical testing. Allele origin: germline.

NM_001144869.3(LIPT2):c.321T>G (p.Arg107=)

Genes: LIPT2 (lipoyl(octanoyl) transferase 2; minus strand), LIPT2-AS1 (LIPT2 antisense RNA 1; plus strand). Cytogenetic location: 11q13.4.
Variant type: single nucleotide variant.
Coding change: c.321T>G on transcript NM_001144869.3 (MANE Select); coding-DNA position 321, T replaced by G.
Protein change: p.Arg107=; no amino-acid change (arginine 107 retained).
Molecular consequence: synonymous variant. On other transcripts: non-coding transcript variant (1), intron variant (1).
Genome position (GRCh38, 1-based): chr11:74,493,383, A>C on the plus strand (T>G on the coding strand, the complement: LIPT2 is on the minus strand). VCF-style: chr11-74493383-A-C. GRCh37 (hg19) VCF-style: chr11-74204428-A-C.
Other names: c.321T>G, p.Arg107= (NM_001329941.2); c.237+84T>G (NM_001329942.2).
Identifiers: ClinVar variation 1452425 (VCV001452425.12), dbSNP rs1018035663, ClinGen allele CA224979299.